The following is an entry in ClinVar:

ClinVar aggregate classification (germline): Uncertain significance (1 of 4 stars; one submission).

Allele frequency attached by ClinVar (database versions not stated): TOPMed below 0.00001; gnomAD exomes below 0.00001.

Submission:

Labcorp Genetics (formerly Invitae), Labcorp
Classification: Uncertain significance. Last evaluated: 2023-08-04. Review status: criteria provided, single submitter. Criteria: Invitae Variant Classification Sherloc (09022015). Collection method: clinical testing. Allele origin: germline.
Comment: This sequence change replaces serine, which is neutral and polar, with cysteine, which is neutral and slightly polar, at codon 97 of the ANLN protein (p.Ser97Cys). This variant is not present in population databases (gnomAD no frequency). This variant has not been reported in the literature in individuals affected with ANLN-related conditions. ClinVar contains an entry for this variant (Variation ID: 2067856). An algorithm developed to predict the effect of missense changes on protein structure and function (PolyPhen-2) suggests that this variant is likely to be disruptive. In summary, the available evidence is currently insufficient to determine the role of this variant in disease. Therefore, it has been classified as a Variant of Uncertain Significance.

NM_018685.5(ANLN):c.290C>G (p.Ser97Cys)

Gene: ANLN (anillin, actin binding protein; plus strand). Cytogenetic location: 7p14.2.
Variant type: single nucleotide variant.
Coding change: c.290C>G on transcript NM_018685.5 (MANE Select); coding-DNA position 290, C replaced by G.
Protein change: p.Ser97Cys; replaces serine 97 with cysteine.
Molecular consequence: missense variant.
Genome position (GRCh38, 1-based): chr7:36,399,196, C>G. VCF-style: chr7-36399196-C-G. GRCh37 (hg19) VCF-style: chr7-36438805-C-G.
Other names: c.290C>G, p.Ser97Cys (NM_001284301.3, NM_001284302.3); short protein forms S97C.
Identifiers: ClinVar variation 2067856 (VCV002067856.4), dbSNP rs1786834325, ClinGen allele CA367204393.